The following is an entry in ClinVar:

ClinVar aggregate classification (germline): Uncertain significance. Review status: criteria provided, multiple submitters, no conflicts (2 of 4 stars). 2 submissions from 2 submitters: Uncertain significance (2). Last evaluated 2024-12-12.

Conditions:
Inborn genetic diseases. Identifiers: MedGen C0950123, MeSH D030342.
Charcot-Marie-Tooth disease type 4. Also called: Charcot-Marie-Tooth, Type 4; Charcot-Marie-Tooth disease, type IV. Identifiers: Orphanet 64749, MedGen C4082197, MONDO:0018995.

Allele frequency attached by ClinVar (database versions not stated): gnomAD exomes below 0.00001; TOPMed below 0.00001; ExAC 0.00001.
gnomAD v4.1: 2 of 1,614,206 alleles (0.00012%); highest among the groups gnomAD compares: South Asian, 0.0011%; no homozygotes.

Submissions (2):

Ambry Genetics
Classification: Uncertain significance for Inborn genetic diseases. Last evaluated: 2024-12-12. Review status: criteria provided, single submitter. Criteria: Ambry Variant Classification Scheme 2023. Collection method: clinical testing. Allele origin: germline.

Labcorp Genetics (formerly Invitae), Labcorp
Classification: Uncertain significance for Charcot-Marie-Tooth disease type 4. Last evaluated: 2021-12-21. Review status: criteria provided, single submitter. Criteria: Invitae Variant Classification Sherloc (09022015). Collection method: clinical testing. Allele origin: germline.
Comment: This sequence change replaces alanine, which is neutral and non-polar, with valine, which is neutral and non-polar, at codon 845 of the SH3TC2 protein (p.Ala845Val). This variant is present in population databases (rs757053201, gnomAD 0.003%). This variant has not been reported in the literature in individuals affected with SH3TC2-related conditions. Advanced modeling of protein sequence and biophysical properties (such as structural, functional, and spatial information, amino acid conservation, physicochemical variation, residue mobility, and thermodynamic stability) performed at Invitae indicates that this missense variant is not expected to disrupt SH3TC2 protein function. In summary, the available evidence is currently insufficient to determine the role of this variant in disease. Therefore, it has been classified as a Variant of Uncertain Significance.

NM_024577.4(SH3TC2):c.2534C>T (p.Ala845Val)

Gene: SH3TC2 (SH3 domain and tetratricopeptide repeats 2; minus strand). Cytogenetic location: 5q32.
Variant type: single nucleotide variant.
Coding change: c.2534C>T on transcript NM_024577.4 (MANE Select); coding-DNA position 2534, C replaced by T.
Protein change: p.Ala845Val; replaces alanine 845 with valine.
Molecular consequence: missense variant.
Genome position (GRCh38, 1-based): chr5:149,027,198, G>A on the plus strand (C>T on the coding strand, the complement: SH3TC2 is on the minus strand). VCF-style: chr5-149027198-G-A. GRCh37 (hg19) VCF-style: chr5-148406761-G-A.
Other names: short protein forms A845V.
Identifiers: ClinVar variation 1907307 (VCV001907307.3), dbSNP rs757053201, ClinGen allele CA3498974.
Genomic context (GRCh38, chr5:149,027,198, plus strand): 5'-CTGTTCAAGGCCCGAAGATAGCTCTTGGCTGCCCTGTTCACCCGGCCTTCACCTTGGAGT[G>A]CAAGTCCCAGGAGGTTATAGATGACTCCCCTTTGAGTGAGACTCTCTGTCTCCTTCAGGG-3'
Protein context (NP_078853.2, residues 835-855): RGVIYNLLGL[Ala845Val]LQGEGRVNRA